The following is an entry in ClinVar:

NM_000431.4(MVK):c.605dup (p.Val203fs)

Gene: MVK (mevalonate kinase; plus strand). Cytogenetic location: 12q24.11.
Variant type: Duplication.
Coding change: c.605dup on transcript NM_000431.4 (MANE Select); coding-DNA position 605, one base duplicated (G; older notation c.605dupG).
Protein change: p.Val203fs; shifts the reading frame from valine 203.
Molecular consequence: frameshift variant.
Genome position (GRCh38, 1-based): chr12:109,586,099, G duplicated; the last of 2 consecutive G bases (chr12:109,586,098-109,586,099); duplicating either gives the same sequence. VCF-style (leftmost placement, unchanged base first): chr12-109586097-C-CG. GRCh37 (hg19) VCF-style: chr12-110023902-C-CG.
Other names: c.605dup, p.Val203fs (NM_001114185.3); c.449dup, p.Val151fs (NM_001301182.2); short protein forms V151fs, V203fs.
Identifiers: ClinVar variation 1071478 (VCV001071478.8), dbSNP rs2136236945, ClinGen allele CA2499221431.

ClinVar aggregate classification (germline): Pathogenic/Likely pathogenic. Review status: criteria provided, multiple submitters, no conflicts (2 of 4 stars). 2 submissions from 2 submitters: Pathogenic (1); Likely pathogenic (1). Last evaluated 2023-04-04.

Conditions:
MVK-related disorder. Also called: MVK-related condition; MVK-related disorders. Identifiers: MedGen CN239294.
Porokeratosis 3, disseminated superficial actinic type (POROK3). Also called: POROKERATOSIS, DISSEMINATED SUPERFICIAL ACTINIC, 1; POROKERATOSIS 3, MULTIPLE TYPES; POROKERATOSIS 3, MIBELLI TYPE. Identifiers: MedGen C1867981, MONDO:0008293, OMIM 175900.
Hyperimmunoglobulin D with periodic fever (HIDS). Also called: Hyperimmunoglobulinemia D; HYPERIMMUNOGLOBULINEMIA D AND PERIODIC FEVER SYNDROME; Hyperimmunoglobulinemia D with periodic fever. Identifiers: Orphanet 343, MedGen C0398691, MONDO:0009849, OMIM 260920.
Mevalonic aciduria (MEVA). Identifiers: Orphanet 29, MedGen C1959626, MONDO:0012481, OMIM 610377.

Submissions (2):

Labcorp Genetics (formerly Invitae), Labcorp
Classification: Pathogenic for Mevalonic aciduria; Hyperimmunoglobulin D with periodic fever; Porokeratosis 3, disseminated superficial actinic type. Last evaluated: 2023-04-04. Review status: criteria provided, single submitter. Criteria: Invitae Variant Classification Sherloc (09022015). Collection method: clinical testing. Allele origin: germline.
Comment: This variant is not present in population databases (gnomAD no frequency). This sequence change creates a premature translational stop signal (p.Val203Serfs*74) in the MVK gene. It is expected to result in an absent or disrupted protein product. Loss-of-function variants in MVK are known to be pathogenic (PMID: 16835861, 17105862, 23834120). This variant has not been reported in the literature in individuals affected with MVK-related conditions. For these reasons, this variant has been classified as Pathogenic. ClinVar contains an entry for this variant (Variation ID: 1071478).

Blueprint Genetics
Classification: Likely pathogenic for MVK-related disorders. Last evaluated: 2022-06-20. Review status: criteria provided, single submitter. Criteria: ACMG Guidelines, 2015. Collection method: clinical testing. Allele origin: germline. Affected: yes. Observed: 1 variant allele.

Literature cited by the submitters: PubMed 16835861 (cited by Labcorp Genetics (formerly Invitae), Labcorp); PubMed 17105862 (cited by Labcorp Genetics (formerly Invitae), Labcorp); PubMed 23834120 (cited by Labcorp Genetics (formerly Invitae), Labcorp).